The following is an entry in ClinVar:

NM_012213.3(MLYCD):c.642-20_642-1delinsT

Gene: MLYCD (malonyl-CoA decarboxylase; plus strand). Cytogenetic location: 16q23.3.
Variant type: Indel.
Coding change: c.642-20_642-1delinsT on transcript NM_012213.3 (MANE Select); 20 bases into the intron before coding-DNA position 642 through the canonical splice acceptor site of the intron before coding-DNA position 642, CTTTATAAATTCCGCCCCAG replaced by T.
Molecular consequence: splice acceptor variant.
Genome position (GRCh38, 1-based): chr16:83,908,106-83,908,125, CTTTATAAATTCCGCCCCAG replaced by T. VCF-style: chr16-83908106-CTTTATAAATTCCGCCCCAG-T. GRCh37 (hg19) VCF-style: chr16-83941711-CTTTATAAATTCCGCCCCAG-T.
Identifiers: ClinVar variation 4086002 (VCV004086002.8).

ClinVar aggregate classification (germline): Pathogenic (1 of 4 stars; one submission).

Submission:

CeGaT Center for Human Genetics Tuebingen
Classification: Pathogenic. Last evaluated: 2025-08-01. Review status: criteria provided, single submitter. Criteria: CeGaT Center For Human Genetics Tuebingen Variant Classification Criteria Version 2. Collection method: clinical testing. Allele origin: germline. Affected: yes. Observed: 1 variant allele.
Comment: MLYCD: PVS1, PM2, PM3:Supporting